The following is an entry in ClinVar:

ClinVar aggregate classification (germline): Uncertain significance (1 of 4 stars; one submission).

Conditions:
Intellectual developmental disorder, autosomal dominant 52. Also called: Intellectual disability, autosomal dominant 52; Mental retardation, autosomal dominant 52. Identifiers: MedGen C4540478, MONDO:0030918, OMIM 617796.

Allele frequency attached by ClinVar (database versions not stated): gnomAD exomes below 0.00001.

Submission:

Laboratorio de Genetica e Diagnostico Molecular, Hospital Israelita Albert Einstein
Classification: Uncertain significance for Intellectual developmental disorder, autosomal dominant 52. Last evaluated: 2021-05-19. Review status: criteria provided, single submitter. Criteria: ACMG Guidelines, 2015. Collection method: clinical testing. Allele origin: germline. Affected: yes.
Comment: ACMG classification criteria: PM2 moderate, BP4 supporting

NM_018489.3(ASH1L):c.889G>A (p.Val297Ile)

Gene: ASH1L (ASH1 like histone lysine methyltransferase; minus strand). Cytogenetic location: 1q22.
Variant type: single nucleotide variant.
Coding change: c.889G>A on transcript NM_018489.3 (MANE Select); coding-DNA position 889, G replaced by A.
Protein change: p.Val297Ile; replaces valine 297 with isoleucine.
Molecular consequence: missense variant.
Genome position (GRCh38, 1-based): chr1:155,481,981, C>T on the plus strand (G>A on the coding strand, the complement: ASH1L is on the minus strand). VCF-style: chr1-155481981-C-T. GRCh37 (hg19) VCF-style: chr1-155451772-C-T.
Other names: c.889G>A, p.Val297Ile (NM_001366177.2); short protein forms V297I.
Identifiers: ClinVar variation 1683699 (VCV001683699.2), dbSNP rs955398090, ClinGen allele CA30915568.